The following is an entry in ClinVar:

NM_001267550.2(TTN):c.76134_76135del (p.Arg25378fs)

Genes: TTN (titin; minus strand), TTN-AS1 (TTN antisense RNA 1; plus strand). Cytogenetic location: 2q31.2.
Variant type: Microsatellite.
Coding change: c.76134_76135del on transcript NM_001267550.2 (MANE Select); coding-DNA positions 76134 to 76135, 2 bases deleted (AG; older notation c.76134_76135delAG).
Protein change: p.Arg25378fs; shifts the reading frame from arginine 25378.
Molecular consequence: frameshift variant.
Genome position (GRCh38, 1-based): chr2:178,569,997-178,569,998, CT deleted on the plus strand (AG on the coding strand, the reverse complement: TTN is on the minus strand); deleting any 2 consecutive bases within chr2:178,569,997-178,570,000 gives the same sequence; the c. name uses the placement nearest the transcript's 3' end. VCF-style (leftmost placement, unchanged base first): chr2-178569996-ACT-A. GRCh37 (hg19) VCF-style: chr2-179434723-ACT-A.
Other names: c.71211_71212del, p.Arg23737fs (NM_001256850.1); c.48939_48940del, p.Arg16313fs (NM_003319.4); c.68430_68431del, p.Arg22810fs (NM_133378.4); c.49314_49315del, p.Arg16438fs (NM_133432.3); c.49515_49516del, p.Arg16505fs (NM_133437.4); short protein forms R16438fs, R23737fs, R16505fs, R16313fs, R22810fs, R25378fs.
Identifiers: ClinVar variation 1494302 (VCV001494302.6), dbSNP rs2154168209, ClinGen allele CA2580614446.

ClinVar aggregate classification (germline): Likely pathogenic (1 of 4 stars; one submission).

Conditions:
Dilated cardiomyopathy 1G (CMD1G). Identifiers: Orphanet 154, MedGen C1858763, MONDO:0011400, OMIM 604145.
Autosomal recessive limb-girdle muscular dystrophy type 2J (LGMDR10). Also called: Limb-girdle muscular dystrophy, type 2J; MUSCULAR DYSTROPHY, LIMB-GIRDLE, AUTOSOMAL RECESSIVE 10. Identifiers: Orphanet 140922, MedGen C1837342, MONDO:0012127, OMIM 608807.

Submission:

Labcorp Genetics (formerly Invitae), Labcorp
Classification: Likely pathogenic for Dilated cardiomyopathy 1G; Autosomal recessive limb-girdle muscular dystrophy type 2J. Last evaluated: 2021-10-08. Review status: criteria provided, single submitter. Criteria: Invitae Variant Classification Sherloc (09022015). Collection method: clinical testing. Allele origin: germline.
Comment: In summary, the currently available evidence indicates that the variant is pathogenic, but additional data are needed to prove that conclusively. Therefore, this variant has been classified as Likely Pathogenic. This variant is located in the A band of TTN (PMID: 25589632). Truncating variants in this region are significantly overrepresented in patients affected with dilated cardiomyopathy (PMID: 25589632). Truncating variants in this region have also been reported in individuals affected with autosomal recessive centronuclear myopathy (PMID: 23975875). This sequence change creates a premature translational stop signal (p.Arg25378Serfs*4) in the TTN gene. While this is not anticipated to result in nonsense mediated decay, it is expected to create a truncated TTN protein. This variant is not present in population databases (ExAC no frequency). This variant has not been reported in the literature in individuals affected with TTN-related conditions.

Literature cited by the submitters: PubMed 25589632; PubMed 23975875.